The following is an entry in ClinVar:

ClinVar aggregate classification (germline): Conflicting classifications of pathogenicity. Review status: criteria provided, conflicting classifications (1 of 4 stars). 7 submissions from 7 submitters: Likely pathogenic (4); Uncertain significance (2). 1 of the submissions does not count toward it. Last evaluated 2025-06-13.

Conditions:
Meniere disease. Also called: Ménière's disease. Identifiers: MedGen C0025281, MONDO:0007972, OMIM 156000.
MANBA-related disorder. Also called: MANBA-related condition.
Beta-D-mannosidosis (MANSB). Also called: MANNOSIDOSIS, BETA A, LYSOSOMAL; BETA-MANNOSIDASE DEFICIENCY; Beta-Mannosidosis; LYSOSOMAL BETA-MANNOSIDASE DEFICIENCY. Identifiers: Orphanet 118, MedGen C4048196, MONDO:0009562, OMIM 248510.

Allele frequency attached by ClinVar (database versions not stated): gnomAD 0.00013 and 0.00014; 1000 Genomes Project 30x 0.00016; TOPMed 0.00017; gnomAD exomes 0.00018 and 0.00038; 1000 Genomes Project 0.00020; ExAC 0.00023; ESP Exome Variant Server 0.00023.
gnomAD v4.1: 567 of 1,607,416 alleles (0.035%); highest among the groups gnomAD compares: Non-Finnish European, 0.045%; no homozygotes.

Submissions (7):

Victorian Clinical Genetics Services, Murdoch Childrens Research Institute
Classification: Likely pathogenic for Beta-D-mannosidosis. Last evaluated: 2025-06-13. Review status: criteria provided, single submitter. Criteria: ACMG Guidelines, 2015. Collection method: clinical testing. Allele origin: germline. Affected: yes.
Comment: This variant is classified as Likely pathogenic. Evidence in support of pathogenic classification: Variant is present in gnomAD <0.01 for a recessive condition (v4: 567 heterozygote(s), 0 homozygote(s)); This variant has limited previous evidence of pathogenicity in an unrelated individual(s). This variant has been classified as likely pathogenic and as a VUS by clinical laboratories in ClinVar, and reported in the literature in a compound heterozygous individual with beta-mannosidosis (PMID: 31115173); This variant has strong functional evidence supporting abnormal protein function. Biochemical analysis using patient cells has demonstrated this variant results in significantly reduced mannosidase activity compared to wildtype (PMID: 31115173). Additional information: Variant is predicted to result in a missense amino acid change from arginine to histidine; This variant is heterozygous; This gene is associated with autosomal recessive disease; Alternative amino acid change(s) at the same position are present in gnomAD (Highest allele count: v4: 37 heterozygote(s), 0 homozygote(s)); No published segregation evidence has been identified for this variant; Other variant(s) comparable to the one identified in this case have inconclusive previous evidence for pathogenicity. p.(Arg500Cys) and p.(Arg500del) have been classified as VUS by clinical laboratories in ClinVar; Variant is located in the annotated glycosyl hydrolases family 2, TIM barrel domain (DECIPHER); Loss of function is a known mechanism of disease in this gene and is associated with beta-mannosidosis (MIM#248510); Inheritance information for this variant is not currently available in this individual.

Women's Health and Genetics/Laboratory Corporation of America, LabCorp
Classification: Uncertain significance. Last evaluated: 2024-12-17. Review status: criteria provided, single submitter. Criteria: LabCorp Variant Classification Summary - May 2015. Collection method: clinical testing. Allele origin: germline.
Comment: Variant summary: MANBA c.1499G>A (p.Arg500His) results in a non-conservative amino acid change located in the Glycoside hydrolase family 2, catalytic domain (IPR006103) of the encoded protein sequence. Four of four in-silico tools predict a damaging effect of the variant on protein function. The variant allele was found at a frequency of 0.00018 in 250672 control chromosomes (gnomAD). This frequency is not significantly higher than estimated for a pathogenic variant in MANBA causing Beta-D-mannosidosis, allowing no conclusion about variant significance. c.1499G>A has been reported in the literature in one individual affected with Beta-D-mannosidosis (Lund_2019). The report does not provide unequivocal conclusions about association of the variant with Beta-D-mannosidosis. To our knowledge, no experimental evidence demonstrating an impact on protein function has been reported. The following publication have been ascertained in the context of this evaluation (PMID: 31115173). ClinVar contains an entry for this variant (Variation ID: 1515408). Based on the evidence outlined above, the variant was classified as uncertain significance.

Blueprint Genetics
Classification: Likely pathogenic for MANBA-related disorders. Last evaluated: 2024-07-10. Review status: criteria provided, single submitter. Criteria: ACMG Guidelines, 2015. Collection method: clinical testing. Allele origin: germline. Affected: yes. Observed: 5 variant alleles.

Fulgent Genetics
Classification: Likely pathogenic for Beta-D-mannosidosis. Last evaluated: 2024-03-27. Review status: criteria provided, single submitter. Criteria: ACMG Guidelines, 2015. Collection method: clinical testing. Allele origin: germline.

Labcorp Genetics (formerly Invitae), Labcorp
Classification: Uncertain significance for Beta-D-mannosidosis. Last evaluated: 2022-08-20. Review status: criteria provided, single submitter. Criteria: Invitae Variant Classification Sherloc (09022015). Collection method: clinical testing. Allele origin: germline.
Comment: This sequence change replaces arginine, which is basic and polar, with histidine, which is basic and polar, at codon 500 of the MANBA protein (p.Arg500His). This variant is present in population databases (rs147542645, gnomAD 0.04%). This missense change has been observed in individual(s) with beta mannosidosis (PMID: 31115173). ClinVar contains an entry for this variant (Variation ID: 1515408). Algorithms developed to predict the effect of missense changes on protein structure and function (SIFT, PolyPhen-2, Align-GVGD) all suggest that this variant is likely to be tolerated. In summary, the available evidence is currently insufficient to determine the role of this variant in disease. Therefore, it has been classified as a Variant of Uncertain Significance.

3billion
Classification: Likely pathogenic for Beta-D-mannosidosis. Last evaluated: 2022-05-22. Review status: criteria provided, single submitter. Criteria: ACMG Guidelines, 2015. Collection method: clinical testing. Allele origin: germline. Affected: yes. Observed: 1 homozygote.
Comment: The variant is observed at an extremely low frequency in the gnomAD v2.1.1 dataset (total allele frequency: 0.021%). Protein truncation variants are a common disease-causing mechanism. In silico tool predictions suggest damaging effect of the variant on gene or gene product (REVEL: 0.86; 3Cnet: 0.78). Same nucleotide change resulting in same amino acid change has been previously reported (PMID: 31115173). Therefore, this variant is classified as likely pathogenic according to the recommendation of ACMG/AMP guideline.

Center for Computational Biology & Bioinformatics, University of California, San Diego
Classification: Uncertain significance for Meniere disease. Last evaluated: 2024-06-03. Review status: no assertion criteria provided. Collection method: research. Allele origin: germline. Affected: yes. Not counted in ClinVar's aggregate classification.

Literature cited by the submitters: PubMed 31115173 (cited by 4 submitters).

NM_005908.4(MANBA):c.1499G>A (p.Arg500His)

Gene: MANBA (mannosidase beta; minus strand). Cytogenetic location: 4q24.
Variant type: single nucleotide variant.
Coding change: c.1499G>A on transcript NM_005908.4 (MANE Select); coding-DNA position 1499, G replaced by A.
Protein change: p.Arg500His; replaces arginine 500 with histidine.
Molecular consequence: missense variant.
Genome position (GRCh38, 1-based): chr4:102,657,887, C>T on the plus strand (G>A on the coding strand, the complement: MANBA is on the minus strand). VCF-style: chr4-102657887-C-T. GRCh37 (hg19) VCF-style: chr4-103579044-C-T.
Other names: c.1499G>A (NM_005908.3); short protein forms R500H.
Identifiers: ClinVar variation 1515408 (VCV001515408.13), dbSNP rs147542645, ClinGen allele CA3026873.
Genomic context (GRCh38, chr4:102,657,887, plus strand): 5'-GAGACCCAGGCTTCTGCAACAGTTTCAGCCCCATTTGTAGGACTGGACGTAATAAAAGGA[C>T]GACTCTTGTCTCCCTGAGTTCAGAAATAAAATGAATTCAAGGATAATATATTCATCCTGT-3'
Protein context (NP_005899.3, residues 490-510): RELVLAGDKS[Arg500His]PFITSSPTNG